The following is an entry in ClinVar:

ClinVar aggregate classification (germline): Pathogenic (1 of 4 stars; one submission).

Conditions:
Telangiectasia, hereditary hemorrhagic, type 2 (HHT2). Also called: ACVRL1-Related Hereditary Hemorrhagic Telangiectasia; Telangiectasia, hereditary hemorrhagic, type II. Identifiers: Orphanet 774, MedGen C1838163, MONDO:0010880, OMIM 600376. Disease mechanism: loss of function.

Submission:

Labcorp Genetics (formerly Invitae), Labcorp
Classification: Pathogenic for Telangiectasia, hereditary hemorrhagic, type 2. Last evaluated: 2025-07-16. Review status: criteria provided, single submitter. Criteria: Invitae Variant Classification Sherloc (09022015). Collection method: clinical testing. Allele origin: germline.
Comment: This sequence change creates a premature translational stop signal (p.Glu83*) in the ACVRL1 gene. It is expected to result in an absent or disrupted protein product. Loss-of-function variants in ACVRL1 are known to be pathogenic (PMID: 15879500). The frequency data for this variant in the population databases is considered unreliable, as metrics indicate poor data quality at this position in the gnomAD database. This variant has not been reported in the literature in individuals affected with ACVRL1-related conditions. For these reasons, this variant has been classified as Pathogenic.

Literature cited by the submitters: PubMed 15879500.

NM_000020.3(ACVRL1):c.247G>T (p.Glu83Ter)

Gene: ACVRL1 (activin A receptor like type 1; plus strand). Cytogenetic location: 12q13.13.
Variant type: single nucleotide variant.
Coding change: c.247G>T on transcript NM_000020.3 (MANE Select); coding-DNA position 247, G replaced by T.
Protein change: p.Glu83Ter; replaces glutamic acid 83 with a stop codon.
Molecular consequence: nonsense. On other transcripts: intron variant (1).
Genome position (GRCh38, 1-based): chr12:51,913,284, G>T. VCF-style: chr12-51913284-G-T. GRCh37 (hg19) VCF-style: chr12-52307068-G-T.
Other names: c.247G>T, p.Glu83Ter (NM_001077401.2, NM_001406487.1, NM_001406488.1 and 6 more transcripts); c.61+749G>T (NM_001406495.1); short protein forms E83*.
Identifiers: ClinVar variation 4723345 (VCV004723345.1).